The following is an entry in ClinVar:

ClinVar aggregate classification (germline): Pathogenic/Likely pathogenic. Review status: criteria provided, multiple submitters, no conflicts (2 of 4 stars). 2 submissions from 2 submitters: Pathogenic (1); Likely pathogenic (1). Last evaluated 2025-06-11.

Conditions:
Mucopolysaccharidosis type 1. Also called: Mucopolysaccharidosis Type I; IDUA deficiency; MPS I. Identifiers: Orphanet 579, MedGen C0023786, MONDO:0001586.

Submissions (2):

Revvity Omics, Revvity
Classification: Likely pathogenic. Last evaluated: 2025-06-11. Review status: criteria provided, single submitter. Criteria: ACMG Guidelines, 2015. Collection method: clinical testing. Allele origin: germline.

Labcorp Genetics (formerly Invitae), Labcorp
Classification: Pathogenic for Mucopolysaccharidosis type 1. Last evaluated: 2025-06-03. Review status: criteria provided, single submitter. Criteria: Invitae Variant Classification Sherloc (09022015). Collection method: clinical testing. Allele origin: germline.
Comment: This sequence change creates a premature translational stop signal (p.Gln87Profs*45) in the IDUA gene. It is expected to result in an absent or disrupted protein product. Loss-of-function variants in IDUA are known to be pathogenic (PMID: 11735025, 21480867). This variant is not present in population databases (gnomAD no frequency). This variant has not been reported in the literature in individuals affected with IDUA-related conditions. For these reasons, this variant has been classified as Pathogenic.

Literature cited by the submitters: PubMed 11735025 (cited by Labcorp Genetics (formerly Invitae), Labcorp); PubMed 21480867 (cited by Labcorp Genetics (formerly Invitae), Labcorp).

NM_000203.5(IDUA):c.259dup (p.Gln87fs)

Genes: SLC26A1 (solute carrier family 26 member 1; minus strand), IDUA (alpha-L-iduronidase; plus strand). Cytogenetic location: 4p16.3.
Variant type: Duplication.
Coding change: c.259dup on transcript NM_000203.5 (MANE Select); coding-DNA position 259, one base duplicated (C; older notation c.259dupC).
Protein change: p.Gln87fs; shifts the reading frame from glutamine 87.
Molecular consequence: frameshift variant. On other transcripts: 3 prime UTR variant (2), non-coding transcript variant (1), intron variant (1).
Genome position (GRCh38, 1-based): chr4:987,909, C duplicated. VCF-style (leftmost placement, unchanged base first): chr4-987908-G-GC. GRCh37 (hg19) VCF-style: chr4-981696-G-GC.
Other names: c.*924dup (NM_022042.4, NM_213613.4); c.576+3219dup (NM_134425.4); short protein forms Q87fs.
Identifiers: ClinVar variation 4081457 (VCV004081457.2).